The following is an entry in ClinVar:

NM_015896.4(ZMYND10):c.1211G>A (p.Arg404His)

Gene: ZMYND10 (zinc finger MYND-type containing 10; minus strand). Cytogenetic location: 3p21.31.
Variant type: single nucleotide variant.
Coding change: c.1211G>A on transcript NM_015896.4 (MANE Select); coding-DNA position 1211, G replaced by A.
Protein change: p.Arg404His; replaces arginine 404 with histidine.
Molecular consequence: missense variant.
Genome position (GRCh38, 1-based): chr3:50,341,610, C>T on the plus strand (G>A on the coding strand, the complement: ZMYND10 is on the minus strand). VCF-style: chr3-50341610-C-T. GRCh37 (hg19) VCF-style: chr3-50379041-C-T.
Other names: c.1196G>A, p.Arg399His (NM_001308379.2); short protein forms R399H, R404H.
Identifiers: ClinVar variation 644750 (VCV000644750.1), dbSNP rs781516139, ClinGen allele CA2416953.
Genomic context (GRCh38, chr3:50,341,610, plus strand): 5'-TCCAAGGTTCTAGGATACCCTCACCTGCAGCAATACCACTCATTCTGGCATCGTGAGCAG[C>T]GCTTAGAAGCCTCTGCACTGCAGTAAGCACAGCGGGGCCGCTCTGGAGCCACTGCCTCTA-3'
Protein context (NP_056980.2, residues 394-414): CAYCSAEASK[Arg404His]CSRCQNEWYC

ClinVar aggregate classification (germline): Uncertain significance (1 of 4 stars; one submission).

Conditions:
Primary ciliary dyskinesia. Also called: Ciliary dyskinesia. Identifiers: Orphanet 244, MedGen C0008780, MONDO:0016575, HP:0012265.

Allele frequency attached by ClinVar (database versions not stated): gnomAD 0.00001 and 0.00002; TOPMed 0.00001; gnomAD exomes 0.00006; ExAC 0.00008.
gnomAD v4.1: 79 of 1,614,270 alleles (0.0049%); highest among the groups gnomAD compares: South Asian, 0.052%; no homozygotes.

Submission:

Labcorp Genetics (formerly Invitae), Labcorp
Classification: Uncertain significance for Primary ciliary dyskinesia. Last evaluated: 2018-09-24. Review status: criteria provided, single submitter. Criteria: Invitae Variant Classification Sherloc (09022015). Collection method: clinical testing. Allele origin: germline.
Comment: This sequence change replaces arginine with histidine at codon 404 of the ZMYND10 protein (p.Arg404His). The arginine residue is highly conserved and there is a small physicochemical difference between arginine and histidine. This variant is present in population databases (rs781516139, ExAC 0.06%). This variant has not been reported in the literature in individuals with ZMYND10-related disease. Algorithms developed to predict the effect of missense changes on protein structure and function are either unavailable or do not agree on the potential impact of this missense change (SIFT: "Deleterious"; PolyPhen-2: "Probably Damaging"; Align-GVGD: "Class C0"). In summary, the available evidence is currently insufficient to determine the role of this variant in disease. Therefore, it has been classified as a Variant of Uncertain Significance.